The following is an entry in ClinVar:

NM_006031.6(PCNT):c.2848C>A (p.Gln950Lys)

Gene: PCNT (pericentrin; plus strand). Cytogenetic location: 21q22.3.
Variant type: single nucleotide variant.
Coding change: c.2848C>A on transcript NM_006031.6 (MANE Select); coding-DNA position 2848, C replaced by A.
Protein change: p.Gln950Lys; replaces glutamine 950 with lysine.
Molecular consequence: missense variant.
Genome position (GRCh38, 1-based): chr21:46,366,822, C>A. VCF-style: chr21-46366822-C-A. GRCh37 (hg19) VCF-style: chr21-47786737-C-A.
Other names: c.2494C>A, p.Gln832Lys (NM_001315529.2); short protein forms Q832K, Q950K.
Identifiers: ClinVar variation 5000745 (VCV005000745.1).

ClinVar aggregate classification (germline): Uncertain significance (1 of 4 stars; one submission).

Conditions:
PCNT-related disorder. Also called: PCNT-related condition.

gnomAD v4.1: 4 of 1,613,842 alleles (0.00025%); highest among the groups gnomAD compares: Non-Finnish European, 0.00034%; no homozygotes.

Submission:

PreventionGenetics, part of Exact Sciences
Classification: Uncertain significance for PCNT-related condition. Last evaluated: 2025-04-09. Review status: criteria provided, single submitter. Criteria: ACMG Guidelines, 2015. Collection method: clinical testing. Allele origin: germline.
Comment: The PCNT c.2848C>A variant is predicted to result in the amino acid substitution p.Gln950Lys. To our knowledge, this variant has not been reported in the literature or in a large population database (gnomAD), indicating this variant is rare. At this time, the clinical significance of this variant is uncertain due to the absence of conclusive functional and genetic evidence.